The following continues an entry in ClinVar:

NM_000478.6(ALPL):c.1328C>T (p.Ala443Val)

Gene: ALPL. ClinVar aggregate classification (germline): Pathogenic/Likely pathogenic. Pathogenic (9); Likely pathogenic (4).

Submissions 11 to 13 of 13:

Victorian Clinical Genetics Services, Murdoch Childrens Research Institute
Classification: Pathogenic for Adult hypophosphatasia. Last evaluated: 2022-02-02. Review status: criteria provided, single submitter. Criteria: ACMG Guidelines, 2015. Collection method: clinical testing. Allele origin: germline. Inheritance: Autosomal dominant inheritance. Affected: yes.
Comment: Based on the classification scheme VCGS_Germline_v1.3.4, this variant is classified as Pathogenic. Following criteria are met: 0103 - Dominant negative and loss of function are known mechanisms of disease in this gene. Later-onset/mild disease is associated with monoallelic dominant negative variants or biallelic loss of function variants that retain residual enzyme activity, while early-onset/severe disease is caused by more complete loss of function variants (GeneReviews, PMID: 19500388). (I) 0108 - This gene is associated with both recessive and dominant disease. Severe forms of hypophosphatasia (perinatal and infantile) are generally associated with autosomal recessive disease, while the milder forms of hypophosphatasia (childhood, adult and odonto) have been associated with both autosomal dominant and recessive disease (PMID: 19500388, 23688511). (I) 0112 - The condition associated with this gene has incomplete penetrance (GeneReviews). (I) 0115 - Variants in this gene are known to have variable expressivity (GeneReviews). (I) 0200 - Variant is predicted to result in a missense amino acid change from alanine to valine. (I) 0251 - This variant is heterozygous. (I) 0304 - Variant is present in gnomAD <0.01 (v2: 1 heterozygote, 0 homozygotes). (SP) 0309 - Multiple alternative amino acid changes at the same position have been observed in gnomAD v2 (highest allele count: 3 heterozygotes, 0 homozygotes). (I) 0502 - Missense variant with conflicting in silico predictions and uninformative conservation. (I) 0600 - Variant is located in the annotated alkaline phosphatase domain (DECIPHER). (I) 0801 - This variant has strong previous evidence of pathogenicity in unrelated individuals. It has been reported in at least ten individuals with both autosomal dominant and recessive hypophosphatasia (ClinVar; PMID: 25731960, 31088113, 32973344, 33814268). (SP) 1208 - Inheritance information for this variant is not currently available in this individual. (I) Legend: (SP) - Supporting pathogenic, (I) - Information, (SB) - Supporting benign

Baylor Genetics
Classification: Likely pathogenic for Childhood hypophosphatasia. Last evaluated: 2019-02-07. Review status: criteria provided, single submitter. Criteria: ACMG Guidelines, 2015. Collection method: clinical testing. Allele origin: maternal. Affected: yes.
Comment: This variant was determined to be likely pathogenic according to ACMG Guidelines, 2015 [PMID:25741868]. This variant has been previously reported as disease-causing [PMID 19500388]

Neuberg Centre For Genomic Medicine, NCGM
Classification: Pathogenic for Infantile hypophosphatasia. Review status: criteria provided, single submitter. Criteria: ACMG Guidelines, 2015. Collection method: clinical testing. Allele origin: germline. Inheritance: Autosomal recessive inheritance. Affected: yes.
Comment: The c.1328C>T (p.Ala443Val) variant in ALPL gene has been reported in heterozygous state in individuals affected with ALPL-related conditions (McKiernan et al., 2017; Fauvert et al., 2009). This variant has been reported to affect ALPL protein function (Fauvert et al., 2009). This variant is reported with the allele frequency (0.0004%) in the gnomad and novel in 1000 genome database. This variant has been reported to the ClinVar database as Pathogenic/Likely Pathogenic. The amino acid Ala at position 443 is changed to a Val changing protein sequence and it might alter its composition and physico-chemical properties. The amino acid change p.Ala443Val in ALPL is predicted as conserved by GERP++ and PhyloP across 100 vertebrates. For these reasons, this variant has been classified as Pathogenic

Literature cited by the submitters: PubMed 31267001 (cited by Otogenetics); PubMed 32160374 (cited by 3 submitters); PubMed 32811521 (cited by Otogenetics); PubMed 38884565 (cited by Otogenetics); PS3_Supporting: Well-established in vitro and in vivo functional studies supportive of damaging effect on the gene product, with low residual enzymatic activity relative to wild-type reported (PMID: 32160374) (cited by Otogenetics); PM2: Maximum gnomAD MAF of 0.009% in European-Non Finnish (NFE) subpopulation (<0.15% threshold) (cited by Otogenetics); PM3: Variant reported in trans with three pathogenic variants in three individuals affected with hypophosphatasia (PMID: 32160374) (cited by Otogenetics); PM5_Strong: Pathogenic missense amino acid change occurs in same position: c.1327G>T p.Ala443Ser, c.1328C>G p.Ala443Gly, c.1327G>A p.Ala443Thr (PMID: 31267001, 32811521, 38884565) (cited by Otogenetics); PP3: In-silico models predict deleterious effect (Revel = 0.74, BayesDel = 0.39) (cited by Otogenetics); PubMed 19500388 (cited by 4 submitters); PubMed 25731960 (cited by 4 submitters); PubMed 28401263 (cited by Labcorp Genetics (formerly Invitae), Labcorp); PubMed 31088113 (cited by 3 submitters); PubMed 32973344 (cited by Genomenon, Inc and Victorian Clinical Genetics Services, Murdoch Childrens Research Institute); PubMed 29236161 (cited by Genomenon, Inc); PubMed 33814268 (cited by Genomenon, Inc and Victorian Clinical Genetics Services, Murdoch Childrens Research Institute); PubMed 28580391 (cited by Genomenon, Inc); PubMed 26432670 (cited by Genomenon, Inc); PubMed 30249491 (cited by Genomenon, Inc and Women's Health and Genetics/Laboratory Corporation of America, LabCorp); PubMed 23688511 (cited by Victorian Clinical Genetics Services, Murdoch Childrens Research Institute).